The following is an entry in ClinVar:

NM_001375380.1(EBF3):c.587A>G (p.Gln196Arg)

Gene: EBF3 (EBF transcription factor 3; minus strand). Cytogenetic location: 10q26.3.
Variant type: single nucleotide variant.
Coding change: c.587A>G on transcript NM_001375380.1 (MANE Select); coding-DNA position 587, A replaced by G.
Protein change: p.Gln196Arg; replaces glutamine 196 with arginine.
Molecular consequence: missense variant.
Genome position (GRCh38, 1-based): chr10:129,877,817, T>C on the plus strand (A>G on the coding strand, the complement: EBF3 is on the minus strand). VCF-style: chr10-129877817-T-C. GRCh37 (hg19) VCF-style: chr10-131676081-T-C.
Other names: c.587A>G, p.Gln196Arg (NM_001005463.3, NM_001375379.1, NM_001375389.1 and 3 more transcripts); short protein forms Q196R.
Identifiers: ClinVar variation 1687681 (VCV001687681.3), dbSNP rs2134129858, ClinGen allele CA378910332.

ClinVar aggregate classification (germline): Pathogenic (1 of 4 stars; one submission).

Submission:

GeneDx
Classification: Pathogenic. Last evaluated: 2023-12-07. Review status: criteria provided, single submitter. Criteria: GeneDx Variant Classification Process June 2021. Collection method: clinical testing. Allele origin: germline. Affected: yes.
Comment: Not observed at significant frequency in large population cohorts (gnomAD); In silico analysis supports that this missense variant has a deleterious effect on protein structure/function; Has not been previously published as pathogenic or benign to our knowledge